The following is an entry in ClinVar:

ClinVar aggregate classification (germline): Uncertain significance (1 of 4 stars; one submission).

Conditions:
Neuropathy, hereditary sensory and autonomic, type 2A (HSAN2A). Also called: ACROOSTEOLYSIS, GIACCAI TYPE; ACROOSTEOLYSIS, NEUROGENIC; WNK1-Related HSAN2 (HSAN2A); NEUROPATHY, HEREDITARY SENSORY RADICULAR, AUTOSOMAL RECESSIVE; MORVAN DISEASE; NEUROPATHY, CONGENITAL SENSORY. Identifiers: Orphanet 970, MedGen C2752089, MONDO:0024309, OMIM 201300.
Generalized epilepsy with febrile seizures plus, type 7 (GEFSP7). Also called: GEFS+, TYPE 7. Identifiers: Orphanet 36387, MedGen C2751778, MONDO:0013470, OMIM 613863.

Submission:

Labcorp Genetics (formerly Invitae), Labcorp
Classification: Uncertain significance for Neuropathy, hereditary sensory and autonomic, type 2A; Generalized epilepsy with febrile seizures plus, type 7. Last evaluated: 2025-04-09. Review status: criteria provided, single submitter. Criteria: Invitae Variant Classification Sherloc (09022015). Collection method: clinical testing. Allele origin: germline.
Comment: This sequence change replaces isoleucine, which is neutral and non-polar, with valine, which is neutral and non-polar, at codon 968 of the SCN9A protein (p.Ile968Val). This variant is not present in population databases (gnomAD no frequency). This variant has not been reported in the literature in individuals affected with SCN9A-related conditions. Invitae Evidence Modeling of protein sequence and biophysical properties (such as structural, functional, and spatial information, amino acid conservation, physicochemical variation, residue mobility, and thermodynamic stability) indicates that this missense variant is not expected to disrupt SCN9A protein function with a negative predictive value of 95%. In summary, the available evidence is currently insufficient to determine the role of this variant in disease. Therefore, it has been classified as a Variant of Uncertain Significance.

NM_001365536.1(SCN9A):c.2935A>G (p.Ile979Val)

Genes: SCN1A-AS1 (SCN1A and SCN9A antisense RNA 1; plus strand), SCN9A (sodium voltage-gated channel alpha subunit 9; minus strand). Cytogenetic location: 2q24.3.
Variant type: single nucleotide variant.
Coding change: c.2935A>G on transcript NM_001365536.1 (MANE Select); coding-DNA position 2935, A replaced by G.
Protein change: p.Ile979Val; replaces isoleucine 979 with valine.
Molecular consequence: missense variant.
Genome position (GRCh38, 1-based): chr2:166,272,815, T>C on the plus strand (A>G on the coding strand, the complement: SCN9A is on the minus strand). VCF-style: chr2-166272815-T-C. GRCh37 (hg19) VCF-style: chr2-167129325-T-C.
Other names: c.2902A>G, p.Ile968Val (NM_002977.4); short protein forms I968V, I979V.
Identifiers: ClinVar variation 4783394 (VCV004783394.1).